The following is an entry in ClinVar:

NM_017831.4(RNF125):c.488C>T (p.Ser163Leu)

Gene: RNF125 (ring finger protein 125; plus strand). Cytogenetic location: 18q12.1.
Variant type: single nucleotide variant.
Coding change: c.488C>T on transcript NM_017831.4 (MANE Select); coding-DNA position 488, C replaced by T.
Protein change: p.Ser163Leu; replaces serine 163 with leucine.
Molecular consequence: missense variant.
Genome position (GRCh38, 1-based): chr18:32,045,716, C>T. VCF-style: chr18-32045716-C-T. GRCh37 (hg19) VCF-style: chr18-29625679-C-T.
Other names: short protein forms S163L.
Identifiers: ClinVar variation 183421 (VCV000183421.7), dbSNP rs373764886, ClinGen allele CA186099.
Genomic context (GRCh38, chr18:32,045,716, plus strand): 5'-TTTGTCAGAGGGAACTGTATGAAGACAGCTTGCTGGATCATTGTATTACTCATCACAGAT[C>T]GGAACGGAGGCCTGTGGTAAGGATTTTTGTTACATGTATTACAGCAATGTCTGAATTCAG-3'
Protein context (NP_060301.2, residues 153-173): LLDHCITHHR[Ser163Leu]ERRPVFCPLC

ClinVar aggregate classification (germline): Uncertain significance. Review status: criteria provided, multiple submitters, no conflicts (2 of 4 stars). 3 submissions from 3 submitters: Uncertain significance (2). 1 of the submissions does not count toward it. Last evaluated 2021-09-02.

Conditions:
Tenorio syndrome (TNORS). Also called: OVERGROWTH, MACROCEPHALY, AND INTELLECTUAL DISABILITY SYNDROME. Identifiers: MedGen C4015710, MONDO:0014553, OMIM 616260.

Allele frequency attached by ClinVar (database versions not stated): TOPMed 0.00003; gnomAD 0.00001; ExAC 0.00002; gnomAD exomes 0.00004 and 0.00003; ESP Exome Variant Server 0.00008.
gnomAD v4.1: 42 of 1,611,620 alleles (0.0026%); highest among the groups gnomAD compares: African/African-American, 0.013%; 1 homozygote.

Submissions (3):

Labcorp Genetics (formerly Invitae), Labcorp
Classification: Uncertain significance for Tenorio syndrome. Last evaluated: 2021-09-02. Review status: criteria provided, single submitter. Criteria: Invitae Variant Classification Sherloc (09022015). Collection method: clinical testing. Allele origin: germline.
Comment: This sequence change replaces serine with leucine at codon 163 of the RNF125 protein (p.Ser163Leu). The serine residue is moderately conserved and there is a large physicochemical difference between serine and leucine. This variant is present in population databases (rs373764886, ExAC 0.006%). This missense change has been observed in individual(s) with overgrowth syndrome (PMID: 25196541). ClinVar contains an entry for this variant (Variation ID: 183421). Algorithms developed to predict the effect of missense changes on protein structure and function are either unavailable or do not agree on the potential impact of this missense change (SIFT: "Deleterious"; PolyPhen-2: "Possibly Damaging"; Align-GVGD: "Class C0"). In summary, the available evidence is currently insufficient to determine the role of this variant in disease. Therefore, it has been classified as a Variant of Uncertain Significance.

Breakthrough Genomics
Classification: Uncertain significance. Review status: criteria provided, single submitter. Criteria: ACMG Guidelines, 2015. Collection method: not provided. Allele origin: germline. Inheritance: Autosomal dominant inheritance. Affected: yes.

OMIM
Classification: Pathogenic for TENORIO SYNDROME. Last evaluated: 2014-12-01. Review status: no assertion criteria provided. Collection method: literature only. Allele origin: germline. Not counted in ClinVar's aggregate classification.

Literature cited by the submitters: PubMed 25196541 (cited by Labcorp Genetics (formerly Invitae), Labcorp and OMIM).